The following is an entry in ClinVar:

ClinVar aggregate classification (germline): Pathogenic (1 of 4 stars; one submission).

Conditions:
Hereditary cancer-predisposing syndrome. Also called: Neoplastic Syndromes, Hereditary; Tumor predisposition; Hereditary neoplastic syndrome; Hereditary Cancer Syndrome. Identifiers: Orphanet 140162, MedGen C0027672, MeSH D009386, MONDO:0015356.

Submission:

Ambry Genetics
Classification: Pathogenic for Hereditary cancer-predisposing syndrome. Last evaluated: 2019-10-31. Review status: criteria provided, single submitter. Criteria: Ambry Variant Classification Scheme 2023. Collection method: clinical testing. Allele origin: germline.
Comment: The c.8_15delGACAGAGC pathogenic mutation, located in coding exon 1 of the MSH6 gene, results from a deletion of 8 nucleotides at nucleotide positions 8 to 15, causing a translational frameshift with a predicted alternate stop codon (p.R3Hfs*14). This alteration is expected to result in loss of function by premature protein truncation or nonsense-mediated mRNA decay. As such, this alteration is interpreted as a disease-causing mutation.

NM_000179.3(MSH6):c.8_15del (p.Arg3fs)

Gene: MSH6 (mutS homolog 6; plus strand). Cytogenetic location: 2p16.3.
Variant type: Deletion.
Coding change: c.8_15del on transcript NM_000179.3 (MANE Select); coding-DNA positions 8 to 15, 8 bases deleted (GACAGAGC; older notation c.8_15delGACAGAGC).
Protein change: p.Arg3fs; shifts the reading frame from arginine 3.
Molecular consequence: frameshift variant. On other transcripts: 5 prime UTR variant (1).
Genome position (GRCh38, 1-based): chr2:47,783,241-47,783,248, GACAGAGC deleted; deleting any 8 consecutive bases within chr2:47,783,239-47,783,248 gives the same sequence; the c. name uses the placement nearest the transcript's 3' end. VCF-style (leftmost placement, unchanged base first): chr2-47783238-CGCGACAGA-C. GRCh37 (hg19) VCF-style: chr2-48010377-CGCGACAGA-C.
Other names: c.8_15del, p.Arg3fs (NM_001281492.2); c.-729_-722del (NM_001281493.2); short protein forms R3fs.
Identifiers: ClinVar variation 827384 (VCV000827384.4), dbSNP rs1572697714, ClinGen allele CA915943786.